The following is an entry in ClinVar:

ClinVar aggregate classification (germline): Uncertain significance (1 of 4 stars; one submission).

Conditions:
KRT8-related disorder. Also called: KRT8-related condition.

gnomAD v4.1: 8 of 1,597,988 alleles (0.0005%); highest among the groups gnomAD compares: African/African-American, 0.0013%; no homozygotes.

Submission:

PreventionGenetics, part of Exact Sciences
Classification: Uncertain significance for KRT8-related condition. Last evaluated: 2025-11-21. Review status: criteria provided, single submitter. Criteria: ACMG Guidelines, 2015. Collection method: clinical testing. Allele origin: germline.
Comment: The KRT8 c.1280A>G variant is predicted to result in the amino acid substitution p.Tyr427Cys. To our knowledge, this variant has not been reported in the literature. This variant is reported in 0.00092% of alleles in individuals of European (Non-Finnish) descent in gnomAD. At this time, the clinical significance of this variant is uncertain due to the absence of conclusive functional and genetic evidence.

NM_002273.4(KRT8):c.1280A>G (p.Tyr427Cys)

Gene: KRT8 (keratin 8; minus strand). Cytogenetic location: 12q13.13.
Variant type: single nucleotide variant.
Coding change: c.1280A>G on transcript NM_002273.4 (MANE Select); coding-DNA position 1280, A replaced by G.
Protein change: p.Tyr427Cys; replaces tyrosine 427 with cysteine.
Molecular consequence: missense variant. On other transcripts: non-coding transcript variant (1).
Genome position (GRCh38, 1-based): chr12:52,897,600, T>C on the plus strand (A>G on the coding strand, the complement: KRT8 is on the minus strand). VCF-style: chr12-52897600-T-C. GRCh37 (hg19) VCF-style: chr12-53291384-T-C.
Other names: c.1364A>G, p.Tyr455Cys (NM_001256282.2); c.1280A>G, p.Tyr427Cys (NM_001256293.2); short protein forms Y427C, Y455C.
Identifiers: ClinVar variation 4977133 (VCV004977133.1).
Genomic context (GRCh38, chr12:52,897,600, plus strand): 5'-GCGCCAGAGCCAAAGCTGGAGCCCAGGCTGTAGCTGAGGCCGGGGCTTGTGAGGCCCCCA[T>C]AGGCCGAGCTCAGACCACCTGGTGAGGGACAGAGGTAGCCACATGAGTACAGAAGCCCAC-3'
Protein context (NP_002264.1, residues 417-437): SGYAGGLSSA[Tyr427Cys]GGLTSPGLSY